The following is an entry in ClinVar:

ClinVar aggregate classification (germline): Uncertain significance (1 of 4 stars; one submission).

Submission:

GeneDx
Classification: Uncertain significance. Last evaluated: 2025-09-04. Review status: criteria provided, single submitter. Criteria: GeneDx Variant Classification Process June 2021. Collection method: clinical testing. Allele origin: germline. Affected: yes.
Comment: Not observed at significant frequency in large population cohorts (gnomAD); Canonical splice site variant in a gene or region of a gene for which loss of function is not a well-established mechanism of disease; Has not been previously published as pathogenic or benign to our knowledge

NM_021072.4(HCN1):c.1618+1G>T

Gene: HCN1 (hyperpolarization activated cyclic nucleotide gated potassium channel 1; minus strand). Cytogenetic location: 5p12.
Variant type: single nucleotide variant.
Coding change: c.1618+1G>T on transcript NM_021072.4 (MANE Select); the canonical splice donor site of the intron after coding-DNA position 1618, G replaced by T.
Molecular consequence: splice donor variant.
Genome position (GRCh38, 1-based): chr5:45,303,598, C>A on the plus strand (G>T on the coding strand, the complement: HCN1 is on the minus strand). VCF-style: chr5-45303598-C-A. GRCh37 (hg19) VCF-style: chr5-45303700-C-A.
Identifiers: ClinVar variation 4813252 (VCV004813252.1).
Genomic context (GRCh38, chr5:45,303,598, plus strand): 5'-TCTTAAAGATACAAATCTCAAGCAGTTTAGATTTCATCTTAGTTGCATCTTTTTTACTAA[C>A]CTCCAAAGTAAGAGCCATCTGTCAGCTTCATTTCTTTACTGGATTTTGTAATGACACCAG-3'